The following is an entry in ClinVar:

NM_000138.5(FBN1):c.5628C>A (p.Cys1876Ter)

Gene: FBN1 (fibrillin 1; minus strand). Cytogenetic location: 15q21.1.
Variant type: single nucleotide variant.
Coding change: c.5628C>A on transcript NM_000138.5 (MANE Select); coding-DNA position 5628, C replaced by A.
Protein change: p.Cys1876Ter; replaces cysteine 1876 with a stop codon.
Molecular consequence: nonsense.
Genome position (GRCh38, 1-based): chr15:48,448,811, G>T on the plus strand (C>A on the coding strand, the complement: FBN1 is on the minus strand). VCF-style: chr15-48448811-G-T. GRCh37 (hg19) VCF-style: chr15-48741008-G-T.
Other names: c.5628C>A, p.Cys1876Ter (NM_001406716.1); short protein forms C1876*.
Identifiers: ClinVar variation 2570902 (VCV002570902.27), dbSNP rs2141252143, ClinGen allele CA392341861.

ClinVar aggregate classification (germline): Pathogenic (1 of 4 stars; one submission).

Submission:

CeGaT Center for Human Genetics Tuebingen
Classification: Pathogenic. Last evaluated: 2023-06-01. Review status: criteria provided, single submitter. Criteria: CeGaT Center For Human Genetics Tuebingen Variant Classification Criteria Version 2. Collection method: clinical testing. Allele origin: germline. Affected: yes. Observed: 1 variant allele.
Comment: FBN1: PVS1, PM2